The following is an entry in ClinVar:

NM_032737.4(LMNB2):c.310C>G (p.Arg104Gly)

Gene: LMNB2 (lamin B2; minus strand). Cytogenetic location: 19p13.3.
Variant type: single nucleotide variant.
Coding change: c.310C>G on transcript NM_032737.4 (MANE Select); coding-DNA position 310, C replaced by G.
Protein change: p.Arg104Gly; replaces arginine 104 with glycine.
Molecular consequence: missense variant.
Genome position (GRCh38, 1-based): chr19:2,444,495, G>C on the plus strand (C>G on the coding strand, the complement: LMNB2 is on the minus strand). VCF-style: chr19-2444495-G-C. GRCh37 (hg19) VCF-style: chr19-2444493-G-C.
Other names: c.250C>G (NM_032737.2); short protein forms R104G.
Identifiers: ClinVar variation 1993062 (VCV001993062.5), dbSNP rs150333146, ClinGen allele CA403259419.

ClinVar aggregate classification (germline): Uncertain significance. Review status: criteria provided, multiple submitters, no conflicts (2 of 4 stars). 2 submissions from 2 submitters: Uncertain significance (2). Last evaluated 2025-08-28.

Conditions:
Lipodystrophy, partial, acquired, susceptibility to (APLD). Also called: APLD, SUSCEPTIBILITY TO. Identifiers: MedGen C3887501, MONDO:0100476, OMIM 608709.
Progressive myoclonic epilepsy type 9. Identifiers: Orphanet 457265, MedGen C4225289, MONDO:0014685, OMIM 616540.

gnomAD v4.1: 3 of 1,613,012 alleles (0.00019%); highest among the groups gnomAD compares: Admixed American, 0.0033%; no homozygotes.

Submissions (2):

Ambry Genetics
Classification: Uncertain significance. Last evaluated: 2025-08-28. Review status: criteria provided, single submitter. Criteria: Ambry Variant Classification Scheme 2023. Collection method: clinical testing. Allele origin: germline.

Labcorp Genetics (formerly Invitae), Labcorp
Classification: Uncertain significance for Progressive myoclonic epilepsy type 9; Lipodystrophy, partial, acquired, susceptibility to. Last evaluated: 2022-05-11. Review status: criteria provided, single submitter. Criteria: Invitae Variant Classification Sherloc (09022015). Collection method: clinical testing. Allele origin: germline.
Comment: This variant has not been reported in the literature in individuals affected with LMNB2-related conditions. In summary, the available evidence is currently insufficient to determine the role of this variant in disease. Therefore, it has been classified as a Variant of Uncertain Significance. Algorithms developed to predict the effect of missense changes on protein structure and function (SIFT, PolyPhen-2, Align-GVGD) all suggest that this variant is likely to be disruptive. This variant is not present in population databases (gnomAD no frequency). This sequence change replaces arginine, which is basic and polar, with glycine, which is neutral and non-polar, at codon 104 of the LMNB2 protein (p.Arg104Gly).